The following is an entry in ClinVar:

ClinVar aggregate classification (germline): Uncertain significance (1 of 4 stars; one submission).

Conditions:
Alstrom syndrome (ALMS). Identifiers: Orphanet 64, MedGen C0268425, MONDO:0008763, OMIM 203800.

Allele frequency attached by ClinVar (database versions not stated): ExAC 0.00001; gnomAD 0.00001; 1000 Genomes Project 0.00020; 1000 Genomes Project 30x 0.00031.
gnomAD v4.1: 1 of 1,613,536 alleles (0.000062%); highest among the groups gnomAD compares: East Asian, 0.0022%; no homozygotes.

Submission:

Labcorp Genetics (formerly Invitae), Labcorp
Classification: Uncertain significance for Alstrom syndrome. Last evaluated: 2022-07-12. Review status: criteria provided, single submitter. Criteria: Invitae Variant Classification Sherloc (09022015). Collection method: clinical testing. Allele origin: germline.
Comment: This sequence change replaces serine, which is neutral and polar, with asparagine, which is neutral and polar, at codon 1777 of the ALMS1 protein (p.Ser1777Asn). This variant is not present in population databases (gnomAD no frequency). This variant has not been reported in the literature in individuals affected with ALMS1-related conditions. ClinVar contains an entry for this variant (Variation ID: 1440204). Experimental studies and prediction algorithms are not available or were not evaluated, and the functional significance of this variant is currently unknown. In summary, the available evidence is currently insufficient to determine the role of this variant in disease. Therefore, it has been classified as a Variant of Uncertain Significance.

NM_001378454.1(ALMS1):c.5327G>A (p.Ser1776Asn)

Gene: ALMS1 (ALMS1 centrosome and basal body associated protein; plus strand). Cytogenetic location: 2p13.1.
Variant type: single nucleotide variant.
Coding change: c.5327G>A on transcript NM_001378454.1 (MANE Select); coding-DNA position 5327, G replaced by A.
Protein change: p.Ser1776Asn; replaces serine 1776 with asparagine.
Molecular consequence: missense variant.
Genome position (GRCh38, 1-based): chr2:73,451,854, G>A. VCF-style: chr2-73451854-G-A. GRCh37 (hg19) VCF-style: chr2-73678981-G-A.
Other names: c.5330G>A, p.Ser1777Asn (NM_015120.4); short protein forms S1776N, S1777N.
Identifiers: ClinVar variation 1440204 (VCV001440204.3), dbSNP rs182614909, ClinGen allele CA1713865.